The following is an entry in ClinVar:

NM_000245.4(MET):c.44T>C (p.Leu15Pro)

Gene: MET (MET proto-oncogene, receptor tyrosine kinase; plus strand). Cytogenetic location: 7q31.2.
Variant type: single nucleotide variant.
Coding change: c.44T>C on transcript NM_000245.4 (MANE Select); coding-DNA position 44, T replaced by C.
Protein change: p.Leu15Pro; replaces leucine 15 with proline.
Molecular consequence: missense variant. On other transcripts: intron variant (1).
Genome position (GRCh38, 1-based): chr7:116,699,128, T>C. VCF-style: chr7-116699128-T-C. GRCh37 (hg19) VCF-style: chr7-116339182-T-C.
Other names: c.44T>C, p.Leu15Pro (NM_001127500.3, NM_001324401.3); c.-91+26551T>C (NM_001324402.2); short protein forms L15P.
Identifiers: ClinVar variation 1741045 (VCV001741045.2), dbSNP rs2116578774, ClinGen allele CA368968219.
Genomic context (GRCh38, chr7:116,699,128, plus strand): 5'-CAGATAAACCTCTCATAATGAAGGCCCCCGCTGTGCTTGCACCTGGCATCCTCGTGCTCC[T>C]GTTTACCTTGGTGCAGAGGAGCAATGGGGAGTGTAAAGAGGCACTAGCAAAGTCCGAGAT-3'
Protein context (NP_000236.2, residues 5-25): AVLAPGILVL[Leu15Pro]FTLVQRSNGE

ClinVar aggregate classification (germline): Uncertain significance (1 of 4 stars; one submission).

Conditions:
Hereditary cancer-predisposing syndrome. Also called: Hereditary Cancer Syndrome; Hereditary neoplastic syndrome; Neoplastic Syndromes, Hereditary; Tumor predisposition. Identifiers: Orphanet 140162, MedGen C0027672, MeSH D009386, MONDO:0015356.

Allele frequency attached by ClinVar (database versions not stated): gnomAD exomes below 0.00001.
gnomAD v4.1: 2 of 1,613,934 alleles (0.00012%); highest among the groups gnomAD compares: Non-Finnish European, 0.00017%; no homozygotes.

Submission:

Ambry Genetics
Classification: Uncertain significance for Hereditary cancer-predisposing syndrome. Last evaluated: 2021-11-22. Review status: criteria provided, single submitter. Criteria: Ambry Variant Classification Scheme 2023. Collection method: clinical testing. Allele origin: germline.
Comment: The p.L15P variant (also known as c.44T>C), located in coding exon 1 of the MET gene, results from a T to C substitution at nucleotide position 44. The leucine at codon 15 is replaced by proline, an amino acid with similar properties. This amino acid position is highly conserved in available vertebrate species. In addition, this alteration is predicted to be deleterious by in silico analysis. Since supporting evidence is limited at this time, the clinical significance of this alteration remains unclear.